The following is an entry in ClinVar:

ClinVar aggregate classification (germline): Likely benign. Review status: criteria provided, multiple submitters, no conflicts (2 of 4 stars). 2 submissions from 2 submitters: Likely benign (2). Last evaluated 2026-06-01.

Allele frequency attached by ClinVar (database versions not stated): gnomAD exomes below 0.00001; ExAC 0.00001; gnomAD 0.00001; TOPMed 0.00001; ESP Exome Variant Server 0.00008.
gnomAD v4.1: 5 of 1,614,064 alleles (0.00031%); highest among the groups gnomAD compares: Middle Eastern, 0.016%; no homozygotes.

Submissions (2):

CeGaT Center for Human Genetics Tuebingen
Classification: Likely benign. Last evaluated: 2026-06-01. Review status: criteria provided, single submitter. Criteria: CeGaT Center For Human Genetics Tuebingen Variant Classification Criteria Version 2. Collection method: clinical testing. Allele origin: germline. Affected: yes. Observed: 1 variant allele.
Comment: GFAP: BP4, BP7

Labcorp Genetics (formerly Invitae), Labcorp
Classification: Likely benign. Last evaluated: 2021-09-18. Review status: criteria provided, single submitter. Criteria: Invitae Variant Classification Sherloc (09022015). Collection method: clinical testing. Allele origin: germline.

NM_002055.5(GFAP):c.231T>C (p.Asn77=)

Gene: GFAP (glial fibrillary acidic protein; minus strand). Cytogenetic location: 17q21.31.
Variant type: single nucleotide variant.
Coding change: c.231T>C on transcript NM_002055.5 (MANE Select); coding-DNA position 231, T replaced by C.
Protein change: p.Asn77=; no amino-acid change (asparagine 77 retained).
Molecular consequence: synonymous variant.
Genome position (GRCh38, 1-based): chr17:44,915,256, A>G on the plus strand (T>C on the coding strand, the complement: GFAP is on the minus strand). VCF-style: chr17-44915256-A-G. GRCh37 (hg19) VCF-style: chr17-42992624-A-G.
Other names: c.231T>C, p.Asn77= (NM_001131019.3, NM_001242376.3, NM_001363846.2).
Identifiers: ClinVar variation 1572517 (VCV001572517.10), dbSNP rs149404477, ClinGen allele CA8609079.